The following is an entry in ClinVar:

ClinVar aggregate classification (germline): Pathogenic (1 of 4 stars; one submission).

Submission:

GeneDx
Classification: Pathogenic. Last evaluated: 2017-11-27. Review status: criteria provided, single submitter. Criteria: GeneDx Variant Classification (06012015). Collection method: clinical testing. Allele origin: germline. Affected: yes.
Comment: The c.411+2 T>C splice site variant in the RPS19 gene destroys the canonical splice donor site in intron 5. It is predicted to cause abnormal gene splicing, either leading to an abnormal message that is subject to nonsense-mediated mRNA decay, or to an abnormal protein product if the message is used for protein translation. The variant is not observed in large population cohorts (Lek et al., 2016). Although this variant has not been previously reported to our knowledge, we consider it to be pathogenic.

NM_001022.4(RPS19):c.411+2T>C

Genes: RPS19 (ribosomal protein S19; plus strand), RPS19-CD79A (RPS19-CD79A readthrough; plus strand). Cytogenetic location: 19q13.2.
Variant type: single nucleotide variant.
Coding change: c.411+2T>C on transcript NM_001022.4 (MANE Select); the canonical splice donor site of the intron after coding-DNA position 411, T replaced by C.
Molecular consequence: splice donor variant.
Genome position (GRCh38, 1-based): chr19:41,869,755, T>C. VCF-style: chr19-41869755-T-C. GRCh37 (hg19) VCF-style: chr19-42373825-T-C.
Other names: c.411+2T>C (NM_001321484.2, NM_001321483.2); c.424+2T>C (NM_001321485.2).
Identifiers: ClinVar variation 489187 (VCV000489187.2), dbSNP rs1555841598, ClinGen allele CA406030765.